The following is an entry in ClinVar:

ClinVar aggregate classification (germline): Uncertain significance (1 of 4 stars; one submission).

Conditions:
Fanconi anemia (FA). Also called: Fanconi's anemia. Identifiers: Orphanet 84, MedGen C0015625, MeSH D005199, MONDO:0019391.

Submission:

Labcorp Genetics (formerly Invitae), Labcorp
Classification: Uncertain significance for Fanconi anemia. Last evaluated: 2021-07-11. Review status: criteria provided, single submitter. Criteria: Invitae Variant Classification Sherloc (09022015). Collection method: clinical testing. Allele origin: germline.
Comment: Algorithms developed to predict the effect of missense changes on protein structure and function are either unavailable or do not agree on the potential impact of this missense change (SIFT: "Not Available"; PolyPhen-2: "Possibly Damaging"; Align-GVGD: "Not Available"). In summary, the available evidence is currently insufficient to determine the role of this variant in disease. Therefore, it has been classified as a Variant of Uncertain Significance. This variant has not been reported in the literature in individuals affected with FANCA-related conditions. This sequence change replaces alanine with tyrosine at codon 282 of the FANCA protein (p.Ala282Tyr). The alanine residue is weakly conserved and there is a moderate physicochemical difference between alanine and tyrosine. The frequency data for this variant in the population databases is not available, as this variant may be reported as separate entries in the ExAC database.

NM_000135.4(FANCA):c.844_845delinsTA (p.Ala282Tyr)

Gene: FANCA (FA complementation group A; minus strand). Cytogenetic location: 16q24.3.
Variant type: Indel.
Coding change: c.844_845delinsTA on transcript NM_000135.4 (MANE Select); coding-DNA positions 844 to 845, GC replaced by TA.
Protein change: p.Ala282Tyr; replaces alanine 282 with tyrosine.
Molecular consequence: missense variant.
Genome position (GRCh38, 1-based): chr16:89,799,214-89,799,215, GC replaced by TA on the plus strand (GC replaced by TA on the coding strand, the reverse complement: FANCA is on the minus strand). VCF-style: chr16-89799214-GC-TA. GRCh37 (hg19) VCF-style: chr16-89865622-GC-TA.
Other names: c.844_845delinsTA, p.Ala282Tyr (NM_001018112.3, NM_001286167.3); c.748_749delinsTA, p.Ala250Tyr (NM_001351830.2); short protein forms A282Y, A250Y.
Identifiers: ClinVar variation 1437955 (VCV001437955.8), dbSNP rs2143581602, ClinGen allele CA2573152798.